The following is an entry in ClinVar:

ClinVar aggregate classification (germline): Benign/Likely benign. Review status: criteria provided, multiple submitters, no conflicts (2 of 4 stars). 4 submissions from 4 submitters: Benign (1); Likely benign (2). 1 of the submissions does not count toward it. Last evaluated 2026-01-05.

Conditions:
VHL-related disorder. Also called: VHL-related condition.
Von Hippel-Lindau syndrome (VHLS). Also called: Von Hippel-Lindau; von Hippel–Lindau syndrome; VHL syndrome. Identifiers: Orphanet 892, MedGen C0019562, MONDO:0008667, OMIM 193300. Disease mechanism: loss of function.
Chuvash polycythemia. Also called: POLYCYTHEMIA, VHL-DEPENDENT. Identifiers: Orphanet 238557, MedGen C1837915, MONDO:0009892, OMIM 263400.
Hereditary cancer-predisposing syndrome. Also called: Hereditary Cancer Syndrome; Hereditary neoplastic syndrome; Tumor predisposition; Neoplastic Syndromes, Hereditary. Identifiers: Orphanet 140162, MedGen C0027672, MeSH D009386, MONDO:0015356.

gnomAD v4.1: 6 of 1,599,516 alleles (0.00038%); highest among the groups gnomAD compares: South Asian, 0.0055%; no homozygotes.

Submissions (4):

Labcorp Genetics (formerly Invitae), Labcorp
Classification: Likely benign for Von Hippel-Lindau syndrome; Chuvash polycythemia. Last evaluated: 2026-01-05. Review status: criteria provided, single submitter. Criteria: Invitae Variant Classification Sherloc (09022015). Collection method: clinical testing. Allele origin: germline.

Myriad Genetics, Inc.
Classification: Benign for Von Hippel-Lindau syndrome. Last evaluated: 2025-06-10. Review status: criteria provided, single submitter. Criteria: Myriad Autosomal Dominant, Autosomal Recessive and X-Linked Classification Criteria (2023). Collection method: clinical testing. Allele origin: unknown.
Comment: This variant is considered benign. This variant is a silent/synonymous amino acid change and it is not expected to impact splicing.

Ambry Genetics
Classification: Likely benign for Hereditary cancer-predisposing syndrome. Last evaluated: 2017-02-22. Review status: criteria provided, single submitter. Criteria: Ambry Variant Classification Scheme 2023. Collection method: clinical testing. Allele origin: germline.

PreventionGenetics, part of Exact Sciences
Classification: Likely benign for VHL-related condition. Last evaluated: 2023-05-17. Review status: no assertion criteria provided. Collection method: clinical testing. Allele origin: germline. Not counted in ClinVar's aggregate classification.
Comment: This variant is classified as likely benign based on ACMG/AMP sequence variant interpretation guidelines (Richards et al. 2015 PMID: 25741868, with internal and published modifications).

NM_000551.4(VHL):c.297A>C (p.Pro99=)

Gene: VHL (von Hippel-Lindau tumor suppressor; plus strand). Cytogenetic location: 3p25.3.
Variant type: single nucleotide variant.
Coding change: c.297A>C on transcript NM_000551.4 (MANE Select); coding-DNA position 297, A replaced by C.
Protein change: p.Pro99=; no amino-acid change (proline 99 retained).
Molecular consequence: synonymous variant.
Genome position (GRCh38, 1-based): chr3:10,142,144, A>C. VCF-style: chr3-10142144-A-C. GRCh37 (hg19) VCF-style: chr3-10183828-A-C.
Other names: c.297A>C, p.Pro99= (NM_001354723.2, NM_198156.3).
Identifiers: ClinVar variation 456581 (VCV000456581.19), dbSNP rs774753107, ClinGen allele CA432420520.